The following is an entry in ClinVar:

NM_000132.4(F8):c.4500G>A (p.Pro1500=)

Gene: F8 (coagulation factor VIII; minus strand). Cytogenetic location: Xq28.
Variant type: single nucleotide variant.
Coding change: c.4500G>A on transcript NM_000132.4 (MANE Select); coding-DNA position 4500, G replaced by A.
Protein change: p.Pro1500=; no amino-acid change (proline 1500 retained).
Molecular consequence: synonymous variant.
Genome position (GRCh38, 1-based): chrX:154,929,290, C>T on the plus strand (G>A on the coding strand, the complement: F8 is on the minus strand). VCF-style: chrX-154929290-C-T. GRCh37 (hg19) VCF-style: chrX-154157565-C-T.
Other names: p.Pro1500=.
Identifiers: ClinVar variation 255223 (VCV000255223.23), dbSNP rs33921347, ClinGen allele CA10568102.

ClinVar aggregate classification (germline): Benign. Review status: criteria provided, multiple submitters, no conflicts (2 of 4 stars). 6 submissions from 6 submitters: Benign (6). Last evaluated 2023-01-31.

Conditions:
Hereditary factor VIII deficiency disease (HEMA). Also called: HEMOPHILIA, CLASSIC; Hemophilia A; AUTOSOMAL HEMOPHILIA A; Hemophilia A, congenital; HEM A; Factor 8 deficiency, congenital. Identifiers: Orphanet 98878, MedGen C0019069, MONDO:0010602, OMIM 306700.

Allele frequency attached by ClinVar (database versions not stated): gnomAD 0.01298 and 0.01389; TOPMed 0.01402; 1000 Genomes Project 0.01404; 1000 Genomes Project 30x 0.01415; ESP Exome Variant Server 0.01534; gnomAD exomes 0.00371 and 0.00135; ExAC 0.00473.
gnomAD v4.1: 2,973 of 1,210,190 alleles (0.25%); highest among the groups gnomAD compares: African/African-American, 4.7%; 49 homozygotes.

Submissions (6):

ARUP Laboratories, Molecular Genetics and Genomics, ARUP Laboratories
Classification: Benign. Last evaluated: 2023-01-31. Review status: criteria provided, single submitter. Criteria: ARUP Molecular Germline Variant Investigation Process 2024. Collection method: clinical testing. Allele origin: germline.

Mayo Clinic Laboratories, Mayo Clinic
Classification: Benign. Last evaluated: 2022-02-17. Review status: criteria provided, single submitter. Criteria: ACMG Guidelines, 2015. Collection method: clinical testing. Allele origin: germline. Observed: 6 variant alleles.

Labcorp Genetics (formerly Invitae), Labcorp
Classification: Benign. Last evaluated: 2019-12-31. Review status: criteria provided, single submitter. Criteria: Invitae Variant Classification Sherloc (09022015). Collection method: clinical testing. Allele origin: germline.

Illumina Laboratory Services, Illumina
Classification: Benign for Hereditary factor VIII deficiency disease. Last evaluated: 2018-01-13. Review status: criteria provided, single submitter. Criteria: ICSL Variant Classification Criteria 13 December 2019. Collection method: clinical testing. Allele origin: germline.
Comment: This variant was observed in the ICSL laboratory as part of a predisposition screen in an ostensibly healthy population. It had not been previously curated by ICSL or reported in the Human Gene Mutation Database (HGMD: prior to June 1st, 2018), and was therefore a candidate for classification through an automated scoring system. Utilizing variant allele frequency, disease prevalence and penetrance estimates, and inheritance mode, an automated score was calculated to assess if this variant is too frequent to cause the disease. Based on the score and internal cut-off values, a variant classified as benign is not then subjected to further curation. The score for this variant resulted in a classification of benign for this disease.

Breakthrough Genomics
Classification: Benign. Review status: criteria provided, single submitter. Criteria: ACMG Guidelines, 2015. Collection method: not provided. Allele origin: germline. Inheritance: X-linked inheritance. Affected: yes.

PreventionGenetics, part of Exact Sciences
Classification: Benign. Review status: criteria provided, single submitter. Criteria: ACMG Guidelines, 2015. Collection method: clinical testing. Allele origin: germline.